The following is an entry in ClinVar:

ClinVar aggregate classification (germline): Likely pathogenic (1 of 4 stars; one submission).

Conditions:
Rare genetic deafness. Identifiers: Orphanet 96210, MedGen C5680250.

Submission:

Laboratory for Molecular Medicine, Mass General Brigham Personalized Medicine
Classification: Likely pathogenic for Rare genetic deafness. Last evaluated: 2012-05-14. Review status: criteria provided, single submitter. Criteria: LMM Criteria. Collection method: clinical testing. Allele origin: germline. Inheritance: Autosomal recessive inheritance. Observed: 1 variant allele.
Comment: The Ser612_Gln613insHisSer variant (MYO7A) has not been reported in the literatu re nor previously reported by our laboratory. This variant results in an in-fram e insertion of two amino acids (Histidine and Serine) between position 612 and 6 13. Although more information is needed to fully assess the clinical significanc e of the Ser612_Gln613insHisSer variant, the addition of two amino acids is like ly to deleteriously impact protein function. This assumption, along with the ide ntification of this variant in a patient with Usher syndrome and another pathoge nic variant suggests this variant is likely pathogenic.

NM_000260.4(MYO7A):c.1833_1838dup (p.Ser612_Gln613insHisSer)

Gene: MYO7A (myosin VIIA; plus strand). Cytogenetic location: 11q13.5.
Variant type: Duplication.
Coding change: c.1833_1838dup on transcript NM_000260.4 (MANE Select); coding-DNA positions 1833 to 1838, 6 bases duplicated (CAGCCA; older notation c.1833_1838dupCAGCCA).
Protein change: p.Ser612_Gln613insHisSer.
Molecular consequence: inframe insertion.
Genome position (GRCh38, 1-based): chr11:77,172,783-77,172,788, CAGCCA duplicated. VCF-style (leftmost placement, unchanged base first): chr11-77172782-G-GCAGCCA. GRCh37 (hg19) VCF-style: chr11-76883828-G-GCAGCCA.
Other names: p.Ser612_Gln613insHisSer; c.1833_1838dup, p.Ser612_Gln613insHisSer (NM_001127180.2); c.1800_1805dup, p.Ser601_Gln602insHisSer (NM_001369365.1).
Identifiers: ClinVar variation 43159 (VCV000043159.5), dbSNP rs397516290, ClinGen allele CA278632.